The following is an entry in ClinVar:

NM_000465.4(BARD1):c.63T>C (p.Arg21=)

Gene: BARD1 (BRCA1 associated RING domain 1; minus strand). Cytogenetic location: 2q35.
Variant type: single nucleotide variant.
Coding change: c.63T>C on transcript NM_000465.4 (MANE Select); coding-DNA position 63, T replaced by C.
Protein change: p.Arg21=; no amino-acid change (arginine 21 retained).
Molecular consequence: synonymous variant. On other transcripts: non-coding transcript variant (3).
Genome position (GRCh38, 1-based): chr2:214,809,507, A>G on the plus strand (T>C on the coding strand, the complement: BARD1 is on the minus strand). VCF-style: chr2-214809507-A-G. GRCh37 (hg19) VCF-style: chr2-215674231-A-G.
Other names: c.63T>C, p.Arg21= (NM_001282543.2, NM_001282545.2, NM_001282548.2 and 1 more transcripts).
Identifiers: ClinVar variation 826383 (VCV000826383.5), dbSNP rs1574869680, ClinGen allele CA431148595.

ClinVar aggregate classification (germline): Benign/Likely benign. Review status: criteria provided, multiple submitters, no conflicts (2 of 4 stars). 2 submissions from 2 submitters: Benign (1); Likely benign (1). Last evaluated 2024-07-18.

Conditions:
Hereditary cancer-predisposing syndrome. Also called: Neoplastic Syndromes, Hereditary; Tumor predisposition; Hereditary neoplastic syndrome; Hereditary Cancer Syndrome. Identifiers: Orphanet 140162, MedGen C0027672, MeSH D009386, MONDO:0015356.
Familial cancer of breast. Also called: BREAST CANCER, FAMILIAL; Hereditary breast cancer; hereditary breast carcinoma. Identifiers: Orphanet 227535, MedGen C0346153, MONDO:0016419, OMIM 114480. Disease mechanism: loss of function.

Submissions (2):

Myriad Genetics, Inc.
Classification: Benign for Familial cancer of breast. Last evaluated: 2024-07-18. Review status: criteria provided, single submitter. Criteria: Myriad Autosomal Dominant, Autosomal Recessive and X-Linked Classification Criteria (2023). Collection method: clinical testing. Allele origin: unknown.
Comment: This variant is considered benign. This variant is a silent/synonymous amino acid change and it is not expected to impact splicing.

Ambry Genetics
Classification: Likely benign for Hereditary cancer-predisposing syndrome. Last evaluated: 2018-03-05. Review status: criteria provided, single submitter. Criteria: Ambry Variant Classification Scheme 2023. Collection method: clinical testing. Allele origin: germline.